The following is an entry in ClinVar:

NM_013275.6(ANKRD11):c.6064C>G (p.Pro2022Ala)

Gene: ANKRD11 (ankyrin repeat domain 11; minus strand). Cytogenetic location: 16q24.3.
Variant type: single nucleotide variant.
Coding change: c.6064C>G on transcript NM_013275.6 (MANE Select); coding-DNA position 6064, C replaced by G.
Protein change: p.Pro2022Ala; replaces proline 2022 with alanine.
Molecular consequence: missense variant.
Genome position (GRCh38, 1-based): chr16:89,280,478, G>C on the plus strand (C>G on the coding strand, the complement: ANKRD11 is on the minus strand). VCF-style: chr16-89280478-G-C. GRCh37 (hg19) VCF-style: chr16-89346886-G-C.
Other names: c.6064C>G, p.Pro2022Ala (NM_001256182.2, NM_001256183.2); short protein forms P2022A.
Identifiers: ClinVar variation 2898629 (VCV002898629.3), dbSNP rs780570915, ClinGen allele CA397152138.

ClinVar aggregate classification (germline): Uncertain significance (1 of 4 stars; one submission).

Conditions:
KBG syndrome (KBGS). Also called: ANKRD11-Related KBG Syndrome. Identifiers: Orphanet 2332, MedGen C0220687, MONDO:0007846, OMIM 148050.

Submission:

Labcorp Genetics (formerly Invitae), Labcorp
Classification: Uncertain significance for KBG syndrome. Last evaluated: 2023-04-12. Review status: criteria provided, single submitter. Criteria: Invitae Variant Classification Sherloc (09022015). Collection method: clinical testing. Allele origin: germline.
Comment: In summary, the available evidence is currently insufficient to determine the role of this variant in disease. Therefore, it has been classified as a Variant of Uncertain Significance. Advanced modeling of protein sequence and biophysical properties (such as structural, functional, and spatial information, amino acid conservation, physicochemical variation, residue mobility, and thermodynamic stability) performed at Invitae indicates that this missense variant is not expected to disrupt ANKRD11 protein function. This variant has not been reported in the literature in individuals affected with ANKRD11-related conditions. This variant is not present in population databases (gnomAD no frequency). This sequence change replaces proline, which is neutral and non-polar, with alanine, which is neutral and non-polar, at codon 2022 of the ANKRD11 protein (p.Pro2022Ala).